The following is an entry in ClinVar:

NM_003073.5(SMARCB1):c.562C>T (p.Pro188Ser)

Gene: SMARCB1 (SWI/SNF related BAF chromatin remodeling complex subunit B1; plus strand). Cytogenetic location: 22q11.23.
Variant type: single nucleotide variant.
Coding change: c.562C>T on transcript NM_003073.5 (MANE Select); coding-DNA position 562, C replaced by T.
Protein change: p.Pro188Ser; replaces proline 188 with serine.
Molecular consequence: missense variant.
Genome position (GRCh38, 1-based): chr22:23,803,356, C>T. VCF-style: chr22-23803356-C-T. GRCh37 (hg19) VCF-style: chr22-24145543-C-T.
Other names: c.535C>T, p.Pro179Ser (NM_001007468.3); c.589C>T, p.Pro197Ser (NM_001317946.2); c.616C>T, p.Pro206Ser (NM_001362877.2); short protein forms P188S, P179S, P197S, P206S.
Identifiers: ClinVar variation 2971148 (VCV002971148.3), dbSNP rs146210466, ClinGen allele CA322603755.

ClinVar aggregate classification (germline): Uncertain significance (1 of 4 stars; one submission).

Submission:

Labcorp Genetics (formerly Invitae), Labcorp
Classification: Uncertain significance. Last evaluated: 2024-08-13. Review status: criteria provided, single submitter. Criteria: Invitae Variant Classification Sherloc (09022015). Collection method: clinical testing. Allele origin: germline.
Comment: This sequence change replaces proline, which is neutral and non-polar, with serine, which is neutral and polar, at codon 188 of the SMARCB1 protein (p.Pro188Ser). This variant is not present in population databases (gnomAD no frequency). This variant has not been reported in the literature in individuals affected with SMARCB1-related conditions. Advanced modeling of protein sequence and biophysical properties (such as structural, functional, and spatial information, amino acid conservation, physicochemical variation, residue mobility, and thermodynamic stability) performed at Invitae indicates that this missense variant is expected to disrupt SMARCB1 protein function with a positive predictive value of 80%. In summary, the available evidence is currently insufficient to determine the role of this variant in disease. Therefore, it has been classified as a Variant of Uncertain Significance.